The following is an entry in ClinVar:

ClinVar aggregate classification (germline): Uncertain significance (1 of 4 stars; one submission).

Conditions:
Dilated cardiomyopathy 1J (CMD1J). Also called: CARDIOMYOPATHY, DILATED, WITH SENSORINEURAL HEARING LOSS, AUTOSOMAL DOMINANT. Identifiers: Orphanet 217622, MedGen C1854368, MONDO:0011541, OMIM 605362.

Submission:

Labcorp Genetics (formerly Invitae), Labcorp
Classification: Uncertain significance for Dilated cardiomyopathy 1J. Last evaluated: 2025-11-02. Review status: criteria provided, single submitter. Criteria: Invitae Variant Classification Sherloc (09022015). Collection method: clinical testing. Allele origin: germline.
Comment: This sequence change falls in intron 15 of the EYA4 gene. It does not directly change the encoded amino acid sequence of the EYA4 protein. This variant is present in population databases (no rsID available, gnomAD 0.01%). This variant has not been reported in the literature in individuals affected with EYA4-related conditions. Experimental studies and prediction algorithms are not available or were not evaluated, and the functional significance of this variant is currently unknown. In summary, the available evidence is currently insufficient to determine the role of this variant in disease. Therefore, it has been classified as a Variant of Uncertain Significance.

NM_004100.5(EYA4):c.1341-40_1356dup

Genes: TARID (TCF21 antisense RNA inducing promoter demethylation; minus strand), EYA4 (EYA transcriptional coactivator and phosphatase 4; plus strand). Cytogenetic location: 6q23.2.
Variant type: Duplication.
Coding change: c.1341-40_1356dup on transcript NM_004100.5 (MANE Select); 40 bases into the intron before coding-DNA position 1341 through coding-DNA position 1356, 56 bases duplicated.
Molecular consequence: splice acceptor variant.
Genome position (GRCh38, 1-based): chr6:133,512,838-133,512,893, 56 bases duplicated. GRCh37 (hg19): chr6:133,833,976-133,834,031.
Other names: c.1359-40_1374dup (NM_001301013.2); c.1341-40_1356dup (NM_172105.4); c.1272-40_1287dup (NM_001370458.1, NM_172103.4); c.1197-40_1212dup (NM_001370459.1); c.1179-40_1194dup (NM_001301012.2).
Identifiers: ClinVar variation 4745972 (VCV004745972.1).